The following is an entry in ClinVar:

NM_004612.4(TGFBR1):c.604G>A (p.Ala202Thr)

Gene: TGFBR1 (transforming growth factor beta receptor 1; plus strand). Cytogenetic location: 9q22.33.
Variant type: single nucleotide variant.
Coding change: c.604G>A on transcript NM_004612.4 (MANE Select); coding-DNA position 604, G replaced by A.
Protein change: p.Ala202Thr; replaces alanine 202 with threonine.
Molecular consequence: missense variant.
Genome position (GRCh38, 1-based): chr9:99,137,888, G>A. VCF-style: chr9-99137888-G-A. GRCh37 (hg19) VCF-style: chr9-101900170-G-A.
Other names: c.373G>A, p.Ala125Thr (NM_001130916.3); c.616G>A, p.Ala206Thr (NM_001306210.2, NM_001407416.1); c.604G>A, p.Ala202Thr (NM_001407417.1); c.409G>A, p.Ala137Thr (NM_001407418.1, NM_001407419.1, NM_001407420.1 and 1 more transcripts); c.397G>A, p.Ala133Thr (NM_001407423.1, NM_001407424.1, NM_001407425.1 and 8 more transcripts); c.358G>A, p.Ala120Thr (NM_001407436.1); c.127G>A, p.Ala43Thr (NM_001407438.1); short protein forms A133T, A125T, A43T, A137T, A202T, A206T, A120T.
Identifiers: ClinVar variation 2033047 (VCV002033047.4), dbSNP rs2118709042, ClinGen allele CA374229398.

ClinVar aggregate classification (germline): Uncertain significance (1 of 4 stars; one submission).

Conditions:
Familial thoracic aortic aneurysm and aortic dissection (TAAD). Also called: Thoracic aortic aneurysms and dissections. Identifiers: Orphanet 91387, MedGen C4707243, MONDO:0019625.

Submission:

Labcorp Genetics (formerly Invitae), Labcorp
Classification: Uncertain significance for Familial thoracic aortic aneurysm and aortic dissection. Last evaluated: 2025-03-03. Review status: criteria provided, single submitter. Criteria: Invitae Variant Classification Sherloc (09022015). Collection method: clinical testing. Allele origin: germline.
Comment: This sequence change replaces alanine, which is neutral and non-polar, with threonine, which is neutral and polar, at codon 202 of the TGFBR1 protein (p.Ala202Thr). This variant is not present in population databases (gnomAD no frequency). This missense change has been observed in individual(s) with clinical features of TGFBR1-related conditions (internal data). ClinVar contains an entry for this variant (Variation ID: 2033047). Invitae Evidence Modeling of protein sequence and biophysical properties (such as structural, functional, and spatial information, amino acid conservation, physicochemical variation, residue mobility, and thermodynamic stability) indicates that this missense variant is expected to disrupt TGFBR1 protein function with a positive predictive value of 80%. This variant disrupts the p.Ala202 amino acid residue in TGFBR1. Other variant(s) that disrupt this residue have been determined to be pathogenic (PMID: 27146836, 27879313, 31915033; internal data). This suggests that this residue is clinically significant, and that variants that disrupt this residue are likely to be disease-causing. In summary, the available evidence is currently insufficient to determine the role of this variant in disease. Therefore, it has been classified as a Variant of Uncertain Significance.

Literature cited by the submitters: PubMed 27146836; PubMed 27879313; PubMed 31915033.